The following is an entry in ClinVar:

ClinVar aggregate classification (germline): Conflicting classifications of pathogenicity. Review status: criteria provided, conflicting classifications (1 of 4 stars). 3 submissions from 3 submitters: Likely pathogenic (1); Uncertain significance (2). Last evaluated 2024-11-15.

Submissions (3):

Blueprint Genetics
Classification: Uncertain significance. Last evaluated: 2024-11-15. Review status: criteria provided, single submitter. Criteria: ACMG Guidelines, 2015. Collection method: clinical testing. Allele origin: germline.

Labcorp Genetics (formerly Invitae), Labcorp
Classification: Uncertain significance. Last evaluated: 2022-05-30. Review status: criteria provided, single submitter. Criteria: Invitae Variant Classification Sherloc (09022015). Collection method: clinical testing. Allele origin: germline.
Comment: In summary, the available evidence is currently insufficient to determine the role of this variant in disease. Therefore, it has been classified as a Variant of Uncertain Significance. Experimental studies and prediction algorithms are not available or were not evaluated, and the functional significance of this variant is currently unknown. ClinVar contains an entry for this variant (Variation ID: 426625). This variant has not been reported in the literature in individuals affected with GPR179-related conditions. This variant is present in population databases (rs757246221, gnomAD 0.004%). This sequence change creates a premature translational stop signal (p.Pro810Alafs*113) in the GPR179 gene. While this is not anticipated to result in nonsense mediated decay, it is expected to disrupt the last 1558 amino acid(s) of the GPR179 protein.

GeneDx
Classification: Likely pathogenic. Last evaluated: 2017-04-11. Review status: criteria provided, single submitter. Criteria: GeneDx Variant Classification (06012015). Collection method: clinical testing. Allele origin: germline. Affected: yes.
Comment: The c.2427dupG variant in the GPR179 gene has not been reported previously as a pathogenic variant nor as a benign variant, to our knowledge. The c.2427dupG variant causes a frameshift starting with codon Proline 810, changes this amino acid to an Alanine residue, and creates a premature Stop codon at position 113 of the new reading frame, denoted p.Pro810AlafsX113. This variant is predicted to cause loss of normal protein function through protein truncation. The c.2427dupG variant is not observed at a significant frequency in large population cohorts (Lek et al., 2016; 1000 Genomes Consortium et al., 2015; Exome Variant Server). We interpret c.2427dupG as a likely pathogenic variant.

NM_001004334.4(GPR179):c.2427dup (p.Pro810fs)

Gene: GPR179 (G protein-coupled receptor 179; minus strand). Cytogenetic location: 17q12.
Variant type: Duplication.
Coding change: c.2427dup on transcript NM_001004334.4 (MANE Select); coding-DNA position 2427, one base duplicated (G; older notation c.2427dupG).
Protein change: p.Pro810fs; shifts the reading frame from proline 810.
Molecular consequence: frameshift variant.
Genome position (GRCh38, 1-based): chr17:38,331,142, C duplicated on the plus strand (G on the coding strand, the reverse complement: GPR179 is on the minus strand); the first of 4 consecutive C bases (chr17:38,331,142-38,331,145); duplicating any one gives the same sequence. VCF-style (leftmost placement, unchanged base first): chr17-38331141-G-GC. GRCh37 (hg19) VCF-style: chr17-36487024-G-GC.
Other names: c.2427dupG (NM_001004334.3); short protein forms P810fs.
Identifiers: ClinVar variation 426625 (VCV000426625.7), dbSNP rs757246221, ClinGen allele CA290105843.
Genomic context (GRCh38, chr17:38,331,141, plus strand): 5'-GTAGCCTCTCTCCCACCGTCAGGTTGTGGGCGCTGGCTGACCTGAAGCCCAGGGCAGGGG[G>GC]CCCCTCCACCGACTCCCGGCTCTCTGTTCGAGAGGCCTTCTTGGCCAGCTTCCTCCTCAG-3'